The following is an entry in ClinVar:

ClinVar aggregate classification (germline): Uncertain significance. Review status: criteria provided, multiple submitters, no conflicts (2 of 4 stars). 2 submissions from 2 submitters: Uncertain significance (2). Last evaluated 2025-11-04.

Conditions:
Mucolipidosis type IV (ML4). Also called: ML IV. Identifiers: Orphanet 578, MedGen C0238286, MONDO:0009653, OMIM 252650.
Inborn genetic diseases. Identifiers: MedGen C0950123, MeSH D030342.

gnomAD v4.1: 24 of 1,613,922 alleles (0.0015%); highest among the groups gnomAD compares: East Asian, 0.0067%; no homozygotes.

Submissions (2):

Labcorp Genetics (formerly Invitae), Labcorp
Classification: Uncertain significance for Mucolipidosis type IV. Last evaluated: 2025-11-04. Review status: criteria provided, single submitter. Criteria: Invitae Variant Classification Sherloc (09022015). Collection method: clinical testing. Allele origin: germline.
Comment: This sequence change replaces valine, which is neutral and non-polar, with isoleucine, which is neutral and non-polar, at codon 385 of the MCOLN1 protein (p.Val385Ile). This variant is present in population databases (rs550264072, gnomAD 0.01%). This variant has not been reported in the literature in individuals affected with MCOLN1-related conditions. ClinVar contains an entry for this variant (Variation ID: 3544310). Invitae Evidence Modeling of protein sequence and biophysical properties (such as structural, functional, and spatial information, amino acid conservation, physicochemical variation, residue mobility, and thermodynamic stability) indicates that this missense variant is not expected to disrupt MCOLN1 protein function with a negative predictive value of 95%. In summary, the available evidence is currently insufficient to determine the role of this variant in disease. Therefore, it has been classified as a Variant of Uncertain Significance.

Ambry Genetics
Classification: Uncertain significance for Inborn genetic diseases. Last evaluated: 2024-10-04. Review status: criteria provided, single submitter. Criteria: Ambry Variant Classification Scheme 2023. Collection method: clinical testing. Allele origin: germline.

NM_020533.3(MCOLN1):c.1153G>A (p.Val385Ile)

Gene: MCOLN1 (mucolipin TRP cation channel 1; plus strand). Cytogenetic location: 19p13.2.
Variant type: single nucleotide variant.
Coding change: c.1153G>A on transcript NM_020533.3 (MANE Select); coding-DNA position 1153, G replaced by A.
Protein change: p.Val385Ile; replaces valine 385 with isoleucine.
Molecular consequence: missense variant.
Genome position (GRCh38, 1-based): chr19:7,529,119, G>A. VCF-style: chr19-7529119-G-A. GRCh37 (hg19) VCF-style: chr19-7594005-G-A.
Other names: short protein forms V385I.
Identifiers: ClinVar variation 3544310 (VCV003544310.2).